The following is an entry in ClinVar:

NM_001197104.2(KMT2A):c.1208T>C (p.Val403Ala)

Gene: KMT2A (lysine methyltransferase 2A; plus strand). Cytogenetic location: 11q23.3.
Variant type: single nucleotide variant.
Coding change: c.1208T>C on transcript NM_001197104.2 (MANE Select); coding-DNA position 1208, T replaced by C.
Protein change: p.Val403Ala; replaces valine 403 with alanine.
Molecular consequence: missense variant.
Genome position (GRCh38, 1-based): chr11:118,472,367, T>C. VCF-style: chr11-118472367-T-C. GRCh37 (hg19) VCF-style: chr11-118343082-T-C.
Other names: c.1307T>C, p.Val436Ala (NM_001412597.1); c.1208T>C, p.Val403Ala (NM_005933.4); short protein forms V436A, V403A.
Identifiers: ClinVar variation 2771569 (VCV002771569.3), dbSNP rs1555035865, ClinGen allele CA382809605.

ClinVar aggregate classification (germline): Uncertain significance (1 of 4 stars; one submission).

Allele frequency attached by ClinVar (database versions not stated): gnomAD exomes below 0.00001.
gnomAD v4.1: 1 of 1,613,688 alleles (0.000062%); no homozygotes.

Submission:

Labcorp Genetics (formerly Invitae), Labcorp
Classification: Uncertain significance. Last evaluated: 2023-10-24. Review status: criteria provided, single submitter. Criteria: Invitae Variant Classification Sherloc (09022015). Collection method: clinical testing. Allele origin: germline.
Comment: This sequence change replaces valine, which is neutral and non-polar, with alanine, which is neutral and non-polar, at codon 403 of the KMT2A protein (p.Val403Ala). This variant is present in population databases (no rsID available, gnomAD 0.004%). This variant has not been reported in the literature in individuals affected with KMT2A-related conditions. Advanced modeling of protein sequence and biophysical properties (such as structural, functional, and spatial information, amino acid conservation, physicochemical variation, residue mobility, and thermodynamic stability) performed at Invitae indicates that this missense variant is not expected to disrupt KMT2A protein function with a negative predictive value of 95%. In summary, the available evidence is currently insufficient to determine the role of this variant in disease. Therefore, it has been classified as a Variant of Uncertain Significance.